The following is an entry in ClinVar:

NM_005450.6(NOG):c.328C>T (p.Gln110Ter)

Gene: NOG (noggin; plus strand). Cytogenetic location: 17q22.
Variant type: single nucleotide variant.
Coding change: c.328C>T on transcript NM_005450.6 (MANE Select); coding-DNA position 328, C replaced by T.
Protein change: p.Gln110Ter; replaces glutamine 110 with a stop codon.
Molecular consequence: nonsense.
Genome position (GRCh38, 1-based): chr17:56,594,551, C>T. VCF-style: chr17-56594551-C-T. GRCh37 (hg19) VCF-style: chr17-54671912-C-T.
Other names: c.328C>T (NM_005450.4); short protein forms Q110*.
Identifiers: ClinVar variation 6704 (VCV000006704.8), dbSNP rs104894614, ClinGen allele CA118437.
Genomic context (GRCh38, chr17:56,594,551, plus strand): 5'-GGGGGCGGGGGTGCAGCTGGGGGCGCGGAGGACCTGGCGGAGCTGGACCAGCTGCTGCGG[C>T]AGCGGCCGTCGGGGGCCATGCCGAGCGAGATCAAAGGGCTAGAGTTCTCCGAGGGCTTGG-3'

ClinVar aggregate classification (germline): Pathogenic. Review status: criteria provided, multiple submitters, no conflicts (2 of 4 stars). 4 submissions from 4 submitters: Pathogenic (3). 1 of the submissions does not count toward it. Last evaluated 2024-11-08.

Conditions:
NOG-related disorder. Also called: NOG-related disorders; NOG-related condition.
Stapes ankylosis with broad thumbs and toes. Also called: ANKYLOSIS OF STAPES, HYPEROPIA, BROAD THUMBS, BROAD FIRST TOES, AND SYNDACTYLY; STAPES ANKYLOSIS SYNDROME WITHOUT SYMPHALANGISM; TEUNISSEN-CREMERS SYNDROME. Identifiers: Orphanet 140917, MedGen C1866656, MONDO:0008484, OMIM 184460.

Submissions (4):

Blueprint Genetics
Classification: Pathogenic for NOG-related disorders. Last evaluated: 2024-11-08. Review status: criteria provided, single submitter. Criteria: ACMG Guidelines, 2015. Collection method: clinical testing. Allele origin: de novo. Affected: yes. Observed: 1 variant allele.

GeneDx
Classification: Pathogenic. Last evaluated: 2024-05-10. Review status: criteria provided, single submitter. Criteria: GeneDx Variant Classification Process June 2021. Collection method: clinical testing. Allele origin: germline. Affected: yes.
Comment: Nonsense variant predicted to result in protein truncation, as the last 123 amino acids are lost, and other loss-of-function variants have been reported downstream in HGMD; Not observed at significant frequency in large population cohorts (gnomAD); This variant is associated with the following publications: (PMID: 26474326, 12089654)

Labcorp Genetics (formerly Invitae), Labcorp
Classification: Pathogenic. Last evaluated: 2022-05-06. Review status: criteria provided, single submitter. Criteria: Invitae Variant Classification Sherloc (09022015). Collection method: clinical testing. Allele origin: germline.
Comment: This premature translational stop signal has been observed in individual(s) with clinical features of NOG-related symphalangism spectrum disorder (PMID: 12089654, 26474326). It has also been observed to segregate with disease in related individuals. This variant is not present in population databases (gnomAD no frequency). This sequence change creates a premature translational stop signal (p.Gln110*) in the NOG gene. While this is not anticipated to result in nonsense mediated decay, it is expected to disrupt the last 123 amino acid(s) of the NOG protein. For these reasons, this variant has been classified as Pathogenic. ClinVar contains an entry for this variant (Variation ID: 6704).

OMIM
Classification: Pathogenic for STAPES ANKYLOSIS SYNDROME WITHOUT SYMPHALANGISM. Last evaluated: 2002-09-01. Review status: no assertion criteria provided. Collection method: literature only. Allele origin: germline. Not counted in ClinVar's aggregate classification.

Literature cited by the submitters: PubMed 12089654 (cited by Labcorp Genetics (formerly Invitae), Labcorp and OMIM); PubMed 26474326 (cited by Labcorp Genetics (formerly Invitae), Labcorp).